The following is an entry in ClinVar:

ClinVar aggregate classification (germline): Uncertain significance (1 of 4 stars; one submission).

Submission:

Labcorp Genetics (formerly Invitae), Labcorp
Classification: Uncertain significance. Last evaluated: 2019-04-07. Review status: criteria provided, single submitter. Criteria: Invitae Variant Classification Sherloc (09022015). Collection method: clinical testing. Allele origin: germline.
Comment: This sequence change replaces glycine with cysteine at codon 542 of the POLE protein (p.Gly542Cys). The glycine residue is highly conserved and there is a large physicochemical difference between glycine and cysteine. This variant is not present in population databases (ExAC no frequency). This variant has not been reported in the literature in individuals with POLE-related conditions. Algorithms developed to predict the effect of missense changes on protein structure and function (SIFT, PolyPhen-2, Align-GVGD) all suggest that this variant is likely to be disruptive, but these predictions have not been confirmed by published functional studies and their clinical significance is uncertain. In summary, the available evidence is currently insufficient to determine the role of this variant in disease. Therefore, it has been classified as a Variant of Uncertain Significance.

NM_006231.4(POLE):c.1624G>T (p.Gly542Cys)

Gene: POLE (DNA polymerase epsilon, catalytic subunit; minus strand). Cytogenetic location: 12q24.33.
Variant type: single nucleotide variant.
Coding change: c.1624G>T on transcript NM_006231.4 (MANE Select); coding-DNA position 1624, G replaced by T.
Protein change: p.Gly542Cys; replaces glycine 542 with cysteine.
Molecular consequence: missense variant.
Genome position (GRCh38, 1-based): chr12:132,672,689, C>A on the plus strand (G>T on the coding strand, the complement: POLE is on the minus strand). VCF-style: chr12-132672689-C-A. GRCh37 (hg19) VCF-style: chr12-133249275-C-A.
Other names: short protein forms G542C.
Identifiers: ClinVar variation 862289 (VCV000862289.9), dbSNP rs2042957526, ClinGen allele CA387356714.